The following is an entry in ClinVar:

NM_004974.4(KCNA2):c.1143T>C (p.Val381=)

Gene: KCNA2 (potassium voltage-gated channel subfamily A member 2; minus strand). Cytogenetic location: 1p13.3.
Variant type: single nucleotide variant.
Coding change: c.1143T>C on transcript NM_004974.4 (MANE Select); coding-DNA position 1143, T replaced by C.
Protein change: p.Val381=; no amino-acid change (valine 381 retained).
Molecular consequence: synonymous variant. On other transcripts: intron variant (1).
Genome position (GRCh38, 1-based): chr1:110,603,640, A>G on the plus strand (T>C on the coding strand, the complement: KCNA2 is on the minus strand). VCF-style: chr1-110603640-A-G. GRCh37 (hg19) VCF-style: chr1-111146262-A-G.
Other names: c.894+249T>C (NM_001204269.2); c.1143T>C (NM_004974.3).
Identifiers: ClinVar variation 1165363 (VCV001165363.10), dbSNP rs200847196, ClinGen allele CA1000654.

ClinVar aggregate classification (germline): Benign/Likely benign. Review status: criteria provided, multiple submitters, no conflicts (2 of 4 stars). 2 submissions from 2 submitters: Benign (1); Likely benign (1). Last evaluated 2026-01-05.

Conditions:
KCNA2-related disorder. Also called: KCNA2-related condition.
Developmental and epileptic encephalopathy, 32 (DEE32). Also called: Epileptic encephalopathy, early infantile, 32. Identifiers: Orphanet 442835, MedGen C4225350, MONDO:0014607, OMIM 616366.

Allele frequency attached by ClinVar (database versions not stated): gnomAD 0.00007 and 0.00014; gnomAD exomes 0.00007 and 0.00028; TOPMed 0.00013; ExAC 0.00026; 1000 Genomes Project 30x 0.00109; 1000 Genomes Project 0.00120.

Submissions (2):

Labcorp Genetics (formerly Invitae), Labcorp
Classification: Benign for Developmental and epileptic encephalopathy, 32. Last evaluated: 2026-01-05. Review status: criteria provided, single submitter. Criteria: Invitae Variant Classification Sherloc (09022015). Collection method: clinical testing. Allele origin: germline.

PreventionGenetics, part of Exact Sciences
Classification: Likely benign for KCNA2-related condition. Last evaluated: 2025-06-04. Review status: criteria provided, single submitter. Criteria: ACMG Guidelines, 2015. Collection method: clinical testing. Allele origin: germline.
Comment: This variant is classified as likely benign based on ACMG/AMP sequence variant interpretation guidelines (Richards et al. 2015 PMID: 25741868, with internal and published modifications).